The following is an entry in ClinVar:

ClinVar aggregate classification (germline): Uncertain significance. Review status: criteria provided, multiple submitters, no conflicts (2 of 4 stars). 2 submissions from 2 submitters: Uncertain significance (2). Last evaluated 2022-11-22.

Conditions:
Hereditary cancer-predisposing syndrome. Also called: Neoplastic Syndromes, Hereditary; Tumor predisposition; Hereditary Cancer Syndrome; Hereditary neoplastic syndrome. Identifiers: Orphanet 140162, MedGen C0027672, MeSH D009386, MONDO:0015356.
Rhabdoid tumor predisposition syndrome 2 (RTPS2). Identifiers: Orphanet 231108, Orphanet 69077, MedGen C2750074, MONDO:0013224, OMIM 613325.

Submissions (2):

Labcorp Genetics (formerly Invitae), Labcorp
Classification: Uncertain significance for Rhabdoid tumor predisposition syndrome 2. Last evaluated: 2022-11-22. Review status: criteria provided, single submitter. Criteria: Invitae Variant Classification Sherloc (09022015). Collection method: clinical testing. Allele origin: germline.
Comment: Advanced modeling of protein sequence and biophysical properties (such as structural, functional, and spatial information, amino acid conservation, physicochemical variation, residue mobility, and thermodynamic stability) has been performed at Invitae for this missense variant, however the output from this modeling did not meet the statistical confidence thresholds required to predict the impact of this variant on SMARCA4 protein function. In summary, the available evidence is currently insufficient to determine the role of this variant in disease. Therefore, it has been classified as a Variant of Uncertain Significance. This variant has not been reported in the literature in individuals affected with SMARCA4-related conditions. This variant is not present in population databases (gnomAD no frequency). This sequence change replaces serine, which is neutral and polar, with phenylalanine, which is neutral and non-polar, at codon 131 of the SMARCA4 protein (p.Ser131Phe).

Ambry Genetics
Classification: Uncertain significance for Hereditary cancer-predisposing syndrome. Last evaluated: 2022-06-07. Review status: criteria provided, single submitter. Criteria: Ambry Variant Classification Scheme 2023. Collection method: clinical testing. Allele origin: germline.
Comment: The p.S131F variant (also known as c.392C>T), located in coding exon 3 of the SMARCA4 gene, results from a C to T substitution at nucleotide position 392. The serine at codon 131 is replaced by phenylalanine, an amino acid with highly dissimilar properties. This amino acid position is well conserved in available vertebrate species. In addition, the in silico prediction for this alteration is inconclusive. Missense and in-frame variants in SMARCA4 are known to cause neurodevelopmental disorders; however, such associations with rhabdoid tumor predisposition syndrome including small cell carcinoma of the ovary-hypercalcemic type (SCCOHT) are exceedingly rare (Kosho T et al. Am J Med Genet C Semin Med Genet. 2014 Sep;166C(3):262-75; Jelinic P et al. Nat Genet. 2014 May;46(5):424-6). Based on the supporting evidence, the association of this alteration with Coffin-Siris syndrome is unknown; however, the association of this alteration with rhabdoid tumor predisposition syndrome is unlikely.

NM_003072.5(SMARCA4):c.392C>T (p.Ser131Phe)

Gene: SMARCA4 (SWI/SNF related BAF chromatin remodeling complex subunit ATPase 4; plus strand). Cytogenetic location: 19p13.2.
Variant type: single nucleotide variant.
Coding change: c.392C>T on transcript NM_003072.5 (MANE Select); coding-DNA position 392, C replaced by T.
Protein change: p.Ser131Phe; replaces serine 131 with phenylalanine.
Molecular consequence: missense variant. On other transcripts: non-coding transcript variant (1).
Genome position (GRCh38, 1-based): chr19:10,986,225, C>T. VCF-style: chr19-10986225-C-T. GRCh37 (hg19) VCF-style: chr19-11096901-C-T.
Other names: c.392C>T, p.Ser131Phe (NM_001128844.3, NM_001128845.2, NM_001128846.2 and 6 more transcripts); short protein forms S131F.
Identifiers: ClinVar variation 1736256 (VCV001736256.7), dbSNP rs1555752952, ClinGen allele CA404055746.